The following is an entry in ClinVar:

ClinVar aggregate classification (germline): Conflicting classifications of pathogenicity. Review status: criteria provided, conflicting classifications (1 of 4 stars). 7 submissions from 7 submitters: Uncertain significance (5); Likely benign (2). Last evaluated 2026-01-26.

Conditions:
Inborn genetic diseases. Identifiers: MedGen C0950123, MeSH D030342.
Pitt-Hopkins-like syndrome 2 (PTHSL2). Identifiers: Orphanet 221150, Orphanet 600663, MedGen C3280479, MONDO:0013690, OMIM 614325.
Chromosome 2p16.3 deletion syndrome. Identifiers: MedGen C3808494, MONDO:0013696, OMIM 614332.

Allele frequency attached by ClinVar (database versions not stated): TOPMed 0.00011; gnomAD 0.00013 and 0.00015; 1000 Genomes Project 0.00020; 1000 Genomes Project 30x 0.00031; ESP Exome Variant Server 0.00033.
gnomAD v4.1: 411 of 1,613,096 alleles (0.025%); highest among the groups gnomAD compares: South Asian, 0.11%; 2 homozygotes.

Submissions (7):

Labcorp Genetics (formerly Invitae), Labcorp
Classification: Likely benign for Pitt-Hopkins-like syndrome 2. Last evaluated: 2026-01-26. Review status: criteria provided, single submitter. Criteria: Invitae Variant Classification Sherloc (09022015). Collection method: clinical testing. Allele origin: germline.

Ambry Genetics
Classification: Uncertain significance for Inborn genetic diseases. Last evaluated: 2021-10-15. Review status: criteria provided, single submitter. Criteria: Ambry Variant Classification Scheme 2023. Collection method: clinical testing. Allele origin: germline.
Comment: Unlikely to be causative of NRXN1-related neurodevelopmental disorder (AD) Based on insufficient or conflicting evidence, the clinical significance of this alteration remains unclear.

Mayo Clinic Laboratories, Mayo Clinic
Classification: Uncertain significance. Last evaluated: 2021-07-21. Review status: criteria provided, single submitter. Criteria: ACMG Guidelines, 2015. Collection method: clinical testing. Allele origin: germline.

GeneDx
Classification: Likely benign. Last evaluated: 2020-09-25. Review status: criteria provided, single submitter. Criteria: GeneDx Variant Classification Process June 2021. Collection method: clinical testing. Allele origin: germline. Affected: yes.

Eurofins Ntd Llc (ga)
Classification: Uncertain significance. Last evaluated: 2017-08-23. Review status: criteria provided, single submitter. Criteria: EGL Classification Definitions 2015. Collection method: clinical testing. Allele origin: germline. Observed: 1 variant allele, 1 heterozygote.

Fulgent Genetics
Classification: Uncertain significance for Pitt-Hopkins-like syndrome 2; Chromosome 2p16.3 deletion syndrome. Last evaluated: 2017-05-23. Review status: criteria provided, single submitter. Criteria: ACMG Guidelines, 2015. Collection method: clinical testing. Allele origin: unknown.

Genetic Services Laboratory, University of Chicago
Classification: Uncertain significance. Last evaluated: 2014-07-18. Review status: criteria provided, single submitter. Criteria: ACMG Guidelines, 2015. Collection method: clinical testing. Allele origin: germline.

NM_001330078.2(NRXN1):c.2459G>A (p.Ser820Asn)

Gene: NRXN1 (neurexin 1; minus strand). Cytogenetic location: 2p16.3.
Variant type: single nucleotide variant.
Coding change: c.2459G>A on transcript NM_001330078.2 (MANE Select); coding-DNA position 2459, G replaced by A.
Protein change: p.Ser820Asn; replaces serine 820 with asparagine.
Molecular consequence: missense variant.
Genome position (GRCh38, 1-based): chr2:50,506,533, C>T on the plus strand (G>A on the coding strand, the complement: NRXN1 is on the minus strand). VCF-style: chr2-50506533-C-T. GRCh37 (hg19) VCF-style: chr2-50733671-C-T.
Other names: p.S860N:AGT>AAT; p.Ser860Asn; c.2579G>A, p.Ser860Asn (NM_001135659.3); c.2435G>A, p.Ser812Asn (NM_001330077.2, NM_001330082.2); c.2393G>A, p.Ser798Asn (NM_001330083.2, NM_001330084.2); c.2432G>A, p.Ser811Asn (NM_001330085.2); c.2459G>A, p.Ser820Asn (NM_001330086.2, NM_004801.6); c.2348G>A, p.Ser783Asn (NM_001330087.2, NM_001330096.2); and 4 more; short protein forms S860N, S812N, S816N, S819N, S783N, S793N, S803N, S811N.
Identifiers: ClinVar variation 206242 (VCV000206242.30), dbSNP rs80293130, ClinGen allele CA316132.